The following is an entry in ClinVar:

NM_001104631.2(PDE4D):c.*2510C>T

Gene: PDE4D (phosphodiesterase 4D; minus strand). Cytogenetic location: 5q11.2.
Variant type: single nucleotide variant.
Coding change: c.*2510C>T on transcript NM_001104631.2 (MANE Select); 2510 bases downstream of the stop codon, C replaced by T.
Molecular consequence: 3 prime UTR variant.
Genome position (GRCh38, 1-based): chr5:58,972,154, G>A on the plus strand (C>T on the coding strand, the complement: PDE4D is on the minus strand). VCF-style: chr5-58972154-G-A. GRCh37 (hg19) VCF-style: chr5-58267981-G-A.
Other names: c.*2510C>T (NM_001165899.2, NM_001197218.2, NM_001197219.2 and 11 more transcripts).
Identifiers: ClinVar variation 907511 (VCV000907511.4), dbSNP rs576580458, ClinGen allele CA118781625.

ClinVar aggregate classification (germline): Benign (1 of 4 stars; one submission).

Conditions:
Acrodysostosis 2 with or without hormone resistance. Also called: ACRODYSOSTOSIS 2 WITH HORMONE RESISTANCE; ACRODYSOSTOSIS 2 WITHOUT HORMONE RESISTANCE. Identifiers: Orphanet 280651, MedGen C3553250, MONDO:0013822, OMIM 614613.

Allele frequency attached by ClinVar (database versions not stated): gnomAD 0.00119 and 0.00131; TOPMed 0.00138; 1000 Genomes Project 0.00180; 1000 Genomes Project 30x 0.00203.
gnomAD v4.1: 181 of 152,608 alleles (0.12%); highest among the groups gnomAD compares: African/African-American, 0.4%; no homozygotes.

Submission:

Illumina Laboratory Services, Illumina
Classification: Benign for Acrodysostosis 2 with or without hormone resistance. Last evaluated: 2018-01-13. Review status: criteria provided, single submitter. Criteria: ICSL Variant Classification Criteria 13 December 2019. Collection method: clinical testing. Allele origin: germline.
Comment: This variant was observed in the ICSL laboratory as part of a predisposition screen in an ostensibly healthy population. It had not been previously curated by ICSL or reported in the Human Gene Mutation Database (HGMD: prior to June 1st, 2018), and was therefore a candidate for classification through an automated scoring system. Utilizing variant allele frequency, disease prevalence and penetrance estimates, and inheritance mode, an automated score was calculated to assess if this variant is too frequent to cause the disease. Based on the score and internal cut-off values, a variant classified as benign is not then subjected to further curation. The score for this variant resulted in a classification of benign for this disease.